The following is an entry in ClinVar:

NM_001134363.3(RBM20):c.2732T>C (p.Val911Ala)

Gene: RBM20 (RNA binding motif protein 20; plus strand). Cytogenetic location: 10q25.2.
Variant type: single nucleotide variant.
Coding change: c.2732T>C on transcript NM_001134363.3 (MANE Select); coding-DNA position 2732, T replaced by C.
Protein change: p.Val911Ala; replaces valine 911 with alanine.
Molecular consequence: missense variant.
Genome position (GRCh38, 1-based): chr10:110,821,351, T>C. VCF-style: chr10-110821351-T-C. GRCh37 (hg19) VCF-style: chr10-112581109-T-C.
Other names: short protein forms V911A.
Identifiers: ClinVar variation 640781 (VCV000640781.9), dbSNP rs1590701525, ClinGen allele CA378377343.

ClinVar aggregate classification (germline): Uncertain significance. Review status: criteria provided, multiple submitters, no conflicts (2 of 4 stars). 2 submissions from 2 submitters: Uncertain significance (2). Last evaluated 2022-12-05.

Conditions:
Dilated cardiomyopathy 1DD (CMD1DD). Identifiers: Orphanet 154, MedGen C2750995, MONDO:0013168, OMIM 613172.

Submissions (2):

Blueprint Genetics
Classification: Uncertain significance. Last evaluated: 2022-12-05. Review status: criteria provided, single submitter. Criteria: ACMG Guidelines, 2015. Collection method: clinical testing. Allele origin: germline.

Labcorp Genetics (formerly Invitae), Labcorp
Classification: Uncertain significance for Dilated cardiomyopathy 1DD. Last evaluated: 2018-08-03. Review status: criteria provided, single submitter. Criteria: Invitae Variant Classification Sherloc (09022015). Collection method: clinical testing. Allele origin: germline.
Comment: This variant has not been reported in the literature in individuals with RBM20-related disease. This sequence change replaces valine with alanine at codon 911 of the RBM20 protein (p.Val911Ala). The valine residue is highly conserved and there is a small physicochemical difference between valine and alanine. This variant is not present in population databases (ExAC no frequency). Algorithms developed to predict the effect of missense changes on protein structure and function are either unavailable or do not agree on the potential impact of this missense change (SIFT: "Deleterious"; PolyPhen-2: "Probably Damaging"; Align-GVGD: "Class C0"). In summary, the available evidence is currently insufficient to determine the role of this variant in disease. Therefore, it has been classified as a Variant of Uncertain Significance.